The following is an entry in ClinVar:

NM_139058.3(ARX):c.1105G>A (p.Glu369Lys)

Gene: ARX (aristaless related homeobox; minus strand). Cytogenetic location: Xp21.3.
Variant type: single nucleotide variant.
Coding change: c.1105G>A on transcript NM_139058.3 (MANE Select); coding-DNA position 1105, G replaced by A.
Protein change: p.Glu369Lys; replaces glutamic acid 369 with lysine.
Molecular consequence: missense variant.
Genome position (GRCh38, 1-based): chrX:25,010,274, C>T on the plus strand (G>A on the coding strand, the complement: ARX is on the minus strand). VCF-style: chrX-25010274-C-T. GRCh37 (hg19) VCF-style: chrX-25028391-C-T.
Other names: short protein forms E369K.
Identifiers: ClinVar variation 383533 (VCV000383533.17), dbSNP rs104894746, ClinGen allele CA16608407.

ClinVar aggregate classification (germline): Conflicting classifications of pathogenicity. Review status: criteria provided, conflicting classifications (1 of 4 stars). 6 submissions from 6 submitters: Likely pathogenic (3); Uncertain significance (3). Last evaluated 2024-03-27.

Conditions:
Developmental and epileptic encephalopathy, 1 (DEE1). Also called: X-linked infantile spasms; West's syndrome; Tonic spasms with clustering, arrest of psychomotor development and hypsarrhythmia on EEG; X-Linked Infantile Spasm Syndrome; Epileptic encephalopathy, early infantile, 1; INFANTILE SPASM SYNDROME, X-LINKED 1. Identifiers: MedGen C3463992, MONDO:0010632, OMIM 308350. Disease mechanism: loss of function.
Intellectual disability, X-linked, with or without seizures, ARX-related. Also called: INTELLECTUAL DEVELOPMENTAL DISORDER, X-LINKED 29; MENTAL RETARDATION, X-LINKED 29; MENTAL RETARDATION, X-LINKED 32; MENTAL RETARDATION, X-LINKED 33; MENTAL RETARDATION, X-LINKED 38; MENTAL RETARDATION, X-LINKED 43. Identifiers: Orphanet 777, MedGen C0796244, MONDO:0010317, OMIM 300419.
Partington syndrome (PRTS). Also called: MENTAL RETARDATION, X-LINKED 36; MENTAL RETARDATION, X-LINKED, SYNDROMIC 1; MENTAL RETARDATION, X-LINKED, WITH DYSTONIC MOVEMENTS, ATAXIA, AND SEIZURES; Mental retardation-dystonic movements-ataxia-seizures syndrome. Identifiers: Orphanet 94083, MedGen C0796250, MONDO:0010654, OMIM 309510.
Corpus callosum agenesis-abnormal genitalia syndrome. Also called: ACC WITH ABNORMAL GENITALIA; PROUD SYNDROME. Identifiers: Orphanet 2508, MedGen C0796124, MONDO:0010224, OMIM 300004.
X-linked lissencephaly with abnormal genitalia. Identifiers: Orphanet 452, MedGen C1846171, MONDO:0010268, OMIM 300215.

Submissions (6):

GeneDx
Classification: Likely pathogenic. Last evaluated: 2024-03-27. Review status: criteria provided, single submitter. Criteria: GeneDx Variant Classification Process June 2021. Collection method: clinical testing. Allele origin: germline. Affected: yes.
Comment: Not observed at significant frequency in large population cohorts (gnomAD); In silico analysis supports that this missense variant has a deleterious effect on protein structure/function; Has not been previously published as pathogenic or benign to our knowledge; This variant is associated with the following publications: (PMID: 20300201)

Labcorp Genetics (formerly Invitae), Labcorp
Classification: Uncertain significance for Developmental and epileptic encephalopathy, 1; Intellectual disability, X-linked, with or without seizures, ARX-related. Last evaluated: 2022-04-21. Review status: criteria provided, single submitter. Criteria: Invitae Variant Classification Sherloc (09022015). Collection method: clinical testing. Allele origin: germline.
Comment: ClinVar contains an entry for this variant (Variation ID: 383533). This variant has not been reported in the literature in individuals affected with ARX-related conditions. This variant is not present in population databases (gnomAD no frequency). This sequence change replaces glutamic acid, which is acidic and polar, with lysine, which is basic and polar, at codon 369 of the ARX protein (p.Glu369Lys). In summary, the available evidence is currently insufficient to determine the role of this variant in disease. Therefore, it has been classified as a Variant of Uncertain Significance. Advanced modeling of protein sequence and biophysical properties (such as structural, functional, and spatial information, amino acid conservation, physicochemical variation, residue mobility, and thermodynamic stability) performed at Invitae indicates that this missense variant is expected to disrupt ARX protein function.

Mendelics
Classification: Likely pathogenic for Developmental and epileptic encephalopathy, 1. Last evaluated: 2019-05-28. Review status: criteria provided, single submitter. Criteria: Mendelics Assertion Criteria 2017. Collection method: clinical testing. Allele origin: unknown.

Women's Health and Genetics/Laboratory Corporation of America, LabCorp
Classification: Uncertain significance. Last evaluated: 2018-11-06. Review status: criteria provided, single submitter. Criteria: LabCorp Variant Classification Summary - May 2015. Collection method: clinical testing. Allele origin: germline.
Comment: Variant summary: ARX c.1105G>A (p.Glu369Lys) results in a conservative amino acid change located in the Homeobox domain of the encoded protein sequence. Three of four in-silico tools predict a damaging effect of the variant on protein function. The variant was absent in 20124 control chromosomes. The available data on variant occurrences in the general population are insufficient to allow any conclusion about variant significance. To our knowledge, no occurrence of c.1105G>A in individuals affected with AXR-Related Disorder and no experimental evidence demonstrating its impact on protein function have been reported. A ClinVar submission from a clinical diagnostic laboratory (evaluation after 2014) cites the variant as likely pathogenic. Based on the evidence outlined above, the variant was classified as uncertain significance.

Institute of Human Genetics, University of Leipzig Medical Center
Classification: Likely pathogenic for Developmental and epileptic encephalopathy, 1. Last evaluated: 2018-07-02. Review status: criteria provided, single submitter. Criteria: ACMG Guidelines, 2015. Collection method: clinical testing. Allele origin: germline. Affected: yes. Observed: 1 variant allele.
Comment: This variant was identified as hemizygous

Juno Genomics, Hangzhou Juno Genomics, Inc
Classification: Uncertain significance for Developmental and epileptic encephalopathy, 1; X-linked lissencephaly with abnormal genitalia; Intellectual disability, X-linked, with or without seizures, ARX-related; Partington syndrome; Corpus callosum agenesis-abnormal genitalia syndrome. Review status: criteria provided, single submitter. Criteria: ACMG Guidelines, 2015. Collection method: clinical testing. Allele origin: germline. Affected: yes.
Comment: Absent from controls (or at extremely low frequency if recessive) in Genome Aggregation Database.;Multiple lines of computational evidence support a deleterious effect on the gene or gene product.